The following is an entry in ClinVar:

ClinVar aggregate classification (germline): Pathogenic (1 of 4 stars; one submission).

Submission:

Quest Diagnostics Nichols Institute San Juan Capistrano
Classification: Pathogenic. Last evaluated: 2022-07-13. Review status: criteria provided, single submitter. Criteria: ACMG/ClinGen CNV Guidelines, 2019. Collection method: clinical testing. Allele origin: unknown.
Comment: This is an in-frame deletion involving an intragenic segment of CAMTA1 (exon 6, NM_015215.4). Haploinsufficiency of CAMTA1 has been associated with autosomal dominant nonprogressive cerebellar ataxia with intellectual disability (OMIM 614756; Thevenon et al., J Med Genet. 2012 Jun;49(6):400-8. PMID: 22693284; Shinawi et al., Clin Genet. 2015 May;87(5):478-82. PMID: 24738973). There are no full copy number losses of this region in the general populations of the Database of Genomic Variants. Thus, the classification of this CNV (copy number variant) is pathogenic.

GRCh37/hg19 1p36.23(chr1:7480054-7659291)x1

Gene: CAMTA1 (calmodulin binding transcription activator 1; plus strand). Cytogenetic location: 1p36.23.
Variant type: copy number loss.
Change: copy number 1 (one copy instead of two) of chr1:7,480,054-7,659,291 (179.2 kb, GRCh37 coordinates, 1-based), cytogenetic band 1p36.23.
Identifiers: ClinVar variation 2685310 (VCV002685310.1).